The following is an entry in ClinVar:

ClinVar aggregate classification (germline): Uncertain significance (1 of 4 stars; one submission).

Conditions:
Primary ciliary dyskinesia. Also called: Ciliary dyskinesia. Identifiers: Orphanet 244, MedGen C0008780, MONDO:0016575, HP:0012265.

Submission:

Labcorp Genetics (formerly Invitae), Labcorp
Classification: Uncertain significance for Primary ciliary dyskinesia. Last evaluated: 2016-08-03. Review status: criteria provided, single submitter. Criteria: Invitae Variant Classification Sherloc (09022015). Collection method: clinical testing. Allele origin: germline.
Comment: In summary, this variant is a novel missense change that is not predicted to affect protein function. There is no indication that it causes disease, but the available evidence is currently insufficient to prove that conclusively. Therefore, it has been classified as a Variant of Uncertain Significance. Algorithms developed to predict the effect of missense changes on protein structure and function (SIFT, PolyPhen-2, Align-GVGD) all suggest that this variant is likely to be tolerated, but these predictions have not been confirmed by published functional studies. This variant is not present in population databases (ExAC no frequency) and has not been reported in the literature in individuals with a CCDC40-related disease. This sequence change replaces leucine with valine at codon 1093 of the CCDC40 protein (p.Leu1093Val). The leucine residue is moderately conserved and there is a small physicochemical difference between leucine and valine.

NM_017950.4(CCDC40):c.3277C>G (p.Leu1093Val)

Gene: CCDC40 (coiled-coil domain 40 molecular ruler complex subunit; plus strand). Cytogenetic location: 17q25.3.
Variant type: single nucleotide variant.
Coding change: c.3277C>G on transcript NM_017950.4 (MANE Select); coding-DNA position 3277, C replaced by G.
Protein change: p.Leu1093Val; replaces leucine 1093 with valine.
Molecular consequence: missense variant.
Genome position (GRCh38, 1-based): chr17:80,099,623, C>G. VCF-style: chr17-80099623-C-G. GRCh37 (hg19) VCF-style: chr17-78073422-C-G.
Other names: short protein forms L1093V.
Identifiers: ClinVar variation 407766 (VCV000407766.17), dbSNP rs1060501721, ClinGen allele CA16615751.